The following is an entry in ClinVar:

ClinVar aggregate classification (germline): Pathogenic (1 of 4 stars; one submission).

Conditions:
Inborn genetic diseases. Identifiers: MedGen C0950123, MeSH D030342.

Submission:

Ambry Genetics
Classification: Pathogenic for Inborn genetic diseases. Last evaluated: 2026-01-23. Review status: criteria provided, single submitter. Criteria: Ambry Variant Classification Scheme 2023. Collection method: clinical testing. Allele origin: germline.
Comment: The c.172dupC (p.L58Pfs*7) alteration, located in exon 2 (coding exon 2) of the CCM2 gene, consists of a duplication of C at position 172, causing a translational frameshift with a predicted alternate stop codon after 7 amino acids. This variant is expected to result in loss of function by premature protein truncation or nonsense-mediated mRNA decay. This variant was not reported in population-based cohorts in the Genome Aggregation Database (gnomAD). Based on the available evidence, this alteration is classified as pathogenic.

NM_031443.4(CCM2):c.172dup (p.Leu58fs)

Gene: CCM2 (CCM2 scaffold protein; plus strand). Cytogenetic location: 7p13.
Variant type: Duplication.
Coding change: c.172dup on transcript NM_031443.4 (MANE Select); coding-DNA position 172, one base duplicated (C; older notation c.172dupC).
Protein change: p.Leu58fs; shifts the reading frame from leucine 58.
Molecular consequence: frameshift variant. On other transcripts: non-coding transcript variant (1), intron variant (2).
Genome position (GRCh38, 1-based): chr7:45,038,394, C duplicated. VCF-style (leftmost placement, unchanged base first): chr7-45038393-A-AC. GRCh37 (hg19) VCF-style: chr7-45077992-A-AC.
Other names: c.235dup, p.Leu79fs (NM_001029835.2); c.172dup, p.Leu58fs (NM_001167935.2, NM_001363458.2); c.31-25524dup (NM_001363459.2, NM_001167934.2); c.172dupC (NM_031443.3); short protein forms L79fs, L58fs.
Identifiers: ClinVar variation 4838701 (VCV004838701.1).